The following is an entry in ClinVar:

NM_024408.4(NOTCH2):c.6024C>G (p.Asn2008Lys)

Gene: NOTCH2 (notch receptor 2; minus strand). Cytogenetic location: 1p12.
Variant type: single nucleotide variant.
Coding change: c.6024C>G on transcript NM_024408.4 (MANE Select); coding-DNA position 6024, C replaced by G.
Protein change: p.Asn2008Lys; replaces asparagine 2008 with lysine.
Molecular consequence: missense variant.
Genome position (GRCh38, 1-based): chr1:119,917,668, G>C on the plus strand (C>G on the coding strand, the complement: NOTCH2 is on the minus strand). VCF-style: chr1-119917668-G-C. GRCh37 (hg19) VCF-style: chr1-120460291-G-C.
Other names: short protein forms N2008K.
Identifiers: ClinVar variation 2088549 (VCV002088549.4), dbSNP rs1265824460, ClinGen allele CA341881713.
Genomic context (GRCh38, chr1:119,917,668, plus strand): 5'-GCTTATAACTGAGGCACTGCTATGAGCCTCCTCAAGCTCAGAGCCCACAAACTGTACCTT[G>C]TTGTCCTGCATGTCTCGGTTGGCCCCATTTTTCAACAACAAAAGAGTTGCCTCCACATTA-3'
Protein context (NP_077719.2, residues 1998-2018): KNGANRDMQD[Asn2008Lys]KEETPLFLAA

ClinVar aggregate classification (germline): Uncertain significance (1 of 4 stars; one submission).

Conditions:
Hajdu-Cheney syndrome (HJCYS). Also called: Acroosteolysis dominant type; SERPENTINE FIBULA-POLYCYSTIC KIDNEY SYNDROME; ACROOSTEOLYSIS WITH OSTEOPOROSIS AND CHANGES IN SKULL AND MANDIBLE. Identifiers: Orphanet 955, MedGen C0917715, MONDO:0007057, OMIM 102500.

Submission:

Labcorp Genetics (formerly Invitae), Labcorp
Classification: Uncertain significance for Hajdu-Cheney syndrome. Last evaluated: 2024-10-28. Review status: criteria provided, single submitter. Criteria: Invitae Variant Classification Sherloc (09022015). Collection method: clinical testing. Allele origin: germline.
Comment: This sequence change replaces asparagine, which is neutral and polar, with lysine, which is basic and polar, at codon 2008 of the NOTCH2 protein (p.Asn2008Lys). This variant is not present in population databases (gnomAD no frequency). This variant has not been reported in the literature in individuals affected with NOTCH2-related conditions. ClinVar contains an entry for this variant (Variation ID: 2088549). Invitae Evidence Modeling of protein sequence and biophysical properties (such as structural, functional, and spatial information, amino acid conservation, physicochemical variation, residue mobility, and thermodynamic stability) indicates that this missense variant is not expected to disrupt NOTCH2 protein function with a negative predictive value of 80%. In summary, the available evidence is currently insufficient to determine the role of this variant in disease. Therefore, it has been classified as a Variant of Uncertain Significance.